The following is an entry in ClinVar:

ClinVar aggregate classification (germline): Uncertain significance (1 of 4 stars; one submission).

Conditions:
Pitt-Hopkins-like syndrome 2 (PTHSL2). Identifiers: Orphanet 221150, Orphanet 600663, MedGen C3280479, MONDO:0013690, OMIM 614325.

gnomAD v4.1: 1 of 1,599,834 alleles (0.000063%); highest among the groups gnomAD compares: Non-Finnish European, 0.000085%; no homozygotes.

Submission:

Labcorp Genetics (formerly Invitae), Labcorp
Classification: Uncertain significance for Pitt-Hopkins-like syndrome 2. Last evaluated: 2024-09-10. Review status: criteria provided, single submitter. Criteria: Invitae Variant Classification Sherloc (09022015). Collection method: clinical testing. Allele origin: germline.
Comment: This sequence change replaces alanine, which is neutral and non-polar, with glutamic acid, which is acidic and polar, at codon 1288 of the NRXN1 protein (p.Ala1288Glu). This variant is not present in population databases (gnomAD no frequency). This variant has not been reported in the literature in individuals affected with NRXN1-related conditions. An algorithm developed to predict the effect of missense changes on protein structure and function (PolyPhen-2) suggests that this variant is likely to be disruptive. In summary, the available evidence is currently insufficient to determine the role of this variant in disease. Therefore, it has been classified as a Variant of Uncertain Significance.

NM_001330078.2(NRXN1):c.3743C>A (p.Ala1248Glu)

Gene: NRXN1 (neurexin 1; minus strand). Cytogenetic location: 2p16.3.
Variant type: single nucleotide variant.
Coding change: c.3743C>A on transcript NM_001330078.2 (MANE Select); coding-DNA position 3743, C replaced by A.
Protein change: p.Ala1248Glu; replaces alanine 1248 with glutamic acid.
Molecular consequence: missense variant. On other transcripts: intron variant (8).
Genome position (GRCh38, 1-based): chr2:50,055,020, G>T on the plus strand (C>A on the coding strand, the complement: NRXN1 is on the minus strand). VCF-style: chr2-50055020-G-T. GRCh37 (hg19) VCF-style: chr2-50282158-G-T.
Other names: c.3863C>A, p.Ala1288Glu (NM_001135659.3); c.3719C>A, p.Ala1240Glu (NM_001330077.2, NM_001330082.2); c.3677C>A, p.Ala1226Glu (NM_001330084.2); c.3716C>A, p.Ala1239Glu (NM_001330085.2); c.3743C>A, p.Ala1248Glu (NM_001330086.2); c.638C>A, p.Ala213Glu (NM_001330091.2, NM_001330092.2); c.3740C>A, p.Ala1247Glu (NM_001330093.2); c.3731C>A, p.Ala1244Glu (NM_001330094.2); and 6 more; short protein forms A1240E, A1244E, A1226E, A1248E, A1239E, A1247E, A1288E, A213E.
Identifiers: ClinVar variation 3692433 (VCV003692433.2).
Genomic context (GRCh38, chr2:50,055,020, plus strand): 5'-TCGAGTAGCCATTCATCAACTACTCGACCAAGTCGATATGGAATTCGCTGTCTAGCAATC[G>T]CCAGGCGCTCGTTATCATTGTTTCCTTTAAAGTTTAAAGAGACATTTCATTGGTTAAAAT-3'
Protein context (NP_001317007.1, residues 1238-1258): PAGNNDNERL[Ala1248Glu]IARQRIPYRL